The following is an entry in ClinVar:

NM_021008.4(DEAF1):c.1303A>G (p.Lys435Glu)

Genes: DEAF1 (DEAF1 transcription factor; minus strand), LOC126861109 (BRD4-independent group 4 enhancer GRCh37_chr11:673917-675116; plus strand). Cytogenetic location: 11p15.5.
Variant type: single nucleotide variant.
Coding change: c.1303A>G on transcript NM_021008.4 (MANE Select); coding-DNA position 1303, A replaced by G.
Protein change: p.Lys435Glu; replaces lysine 435 with glutamic acid.
Molecular consequence: missense variant.
Genome position (GRCh38, 1-based): chr11:674,736, T>C on the plus strand (A>G on the coding strand, the complement: DEAF1 is on the minus strand). VCF-style: chr11-674736-T-C. GRCh37 (hg19) VCF-style: chr11-674736-T-C.
Other names: c.577A>G, p.Lys193Glu (NM_001367390.1); c.1036A>G, p.Lys346Glu (NM_001293634.2); short protein forms K193E, K346E, K435E.
Identifiers: ClinVar variation 3253356 (VCV003253356.1), dbSNP rs2494380090.

ClinVar aggregate classification (germline): Uncertain significance (1 of 4 stars; one submission).

Submission:

GeneDx
Classification: Uncertain significance. Last evaluated: 2023-12-11. Review status: criteria provided, single submitter. Criteria: GeneDx Variant Classification Process June 2021. Collection method: clinical testing. Allele origin: germline. Affected: yes.
Comment: Not observed at significant frequency in large population cohorts (gnomAD); In silico analysis supports that this missense variant does not alter protein structure/function; Has not been previously published as pathogenic or benign to our knowledge